The following is an entry in ClinVar:

NC_000023.11:g.(?_31819965)_(31965029_?)del

Gene: DMD (dystrophin; minus strand). Cytogenetic location: Xp21.1.
Variant type: Deletion.
Identifiers: ClinVar variation 832703 (VCV000832703.1).

ClinVar aggregate classification (germline): Pathogenic (1 of 4 stars; one submission).

Conditions:
Duchenne muscular dystrophy (DMD). Also called: Duchenne Muscular Dystrophy (DMD); MUSCULAR DYSTROPHY, PSEUDOHYPERTROPHIC PROGRESSIVE, DUCHENNE TYPE. Identifiers: Orphanet 98896, MedGen C0013264, MONDO:0010679, OMIM 310200.

Submission:

Labcorp Genetics (formerly Invitae), Labcorp
Classification: Pathogenic for Duchenne muscular dystrophy. Last evaluated: 2019-10-21. Review status: criteria provided, single submitter. Criteria: Invitae Variant Classification Sherloc (09022015). Collection method: clinical testing. Allele origin: germline.
Comment: This variant is an out-of-frame deletion of the genomic region encompassing exons 46-50 of the DMD gene. This creates a premature translational stop signal and is expected to result in an absent or disrupted protein product. Loss-of-function variants, including gross deletions, in DMD are known to be pathogenic. This particular deletion has been reported in the literature in individuals affected with Duchenne or Becker muscular dystrophy (PMID: 22090376, 12324874, 19449031, 18663755). For these reasons, this variant has been classified as Pathogenic.

Literature cited by the submitters: PubMed 12324874; PubMed 19449031; PubMed 18663755; PubMed 22090376.